The following is an entry in ClinVar:

NM_001370.2(DNAH6):c.2891G>A (p.Arg964Lys)

Gene: DNAH6 (dynein axonemal heavy chain 6; plus strand). Cytogenetic location: 2p11.2.
Variant type: single nucleotide variant.
Coding change: c.2891G>A on transcript NM_001370.2 (MANE Select); coding-DNA position 2891, G replaced by A.
Protein change: p.Arg964Lys; replaces arginine 964 with lysine.
Molecular consequence: missense variant.
Genome position (GRCh38, 1-based): chr2:84,604,361, G>A. VCF-style: chr2-84604361-G-A. GRCh37 (hg19) VCF-style: chr2-84831485-G-A.
Other names: short protein forms R964K.
Identifiers: ClinVar variation 3390682 (VCV003390682.1).

ClinVar aggregate classification (germline): Uncertain significance (1 of 4 stars; one submission).

gnomAD v4.1: 4 of 1,552,120 alleles (0.00026%); highest among the groups gnomAD compares: Admixed American, 0.0078%; no homozygotes.

Submission:

GeneDx
Classification: Uncertain significance. Last evaluated: 2024-06-04. Review status: criteria provided, single submitter. Criteria: GeneDx Variant Classification Process June 2021. Collection method: clinical testing. Allele origin: germline. Affected: yes.
Comment: In silico analysis supports that this missense variant has a deleterious effect on protein structure/function; Has not been previously published as pathogenic or benign to our knowledge